The following is an entry in ClinVar:

ClinVar aggregate classification (germline): Uncertain significance (1 of 4 stars; one submission).

Conditions:
MC4R-related disorder. Also called: MC4R-related condition.

Submission:

PreventionGenetics, part of Exact Sciences
Classification: Uncertain significance for MC4R-related condition. Last evaluated: 2026-05-03. Review status: criteria provided, single submitter. Criteria: ACMG Guidelines, 2015. Collection method: clinical testing. Allele origin: germline.
Comment: The MC4R c.472C>G variant is predicted to result in the amino acid substitution p.His158Asp. To our knowledge, this variant has not been reported in the literature or in a large population database (gnomAD), indicating this variant is rare. At this time, the clinical significance of this variant is uncertain due to the absence of conclusive functional and genetic evidence.

NM_005912.3(MC4R):c.472C>G (p.His158Asp)

Gene: MC4R (melanocortin 4 receptor; minus strand). Cytogenetic location: 18q21.32.
Variant type: single nucleotide variant.
Coding change: c.472C>G on transcript NM_005912.3 (MANE Select); coding-DNA position 472, C replaced by G.
Protein change: p.His158Asp; replaces histidine 158 with aspartic acid.
Molecular consequence: missense variant.
Genome position (GRCh38, 1-based): chr18:60,371,878, G>C on the plus strand (C>G on the coding strand, the complement: MC4R is on the minus strand). VCF-style: chr18-60371878-G-C. GRCh37 (hg19) VCF-style: chr18-58039111-G-C.
Other names: short protein forms H158D.
Identifiers: ClinVar variation 4992116 (VCV004992116.1).